The following is an entry in ClinVar:

ClinVar aggregate classification (germline): Uncertain significance (1 of 4 stars; one submission).

Conditions:
Sulfite oxidase deficiency due to molybdenum cofactor deficiency type A. Also called: Molybdenum cofactor deficiency, complementation group A; Molybdenum Cofactor Deficiency A. Identifiers: Orphanet 308386, Orphanet 833, MedGen C1854988, MONDO:0009643, OMIM 252150.

Allele frequency attached by ClinVar (database versions not stated): gnomAD 0.00001; gnomAD exomes 0.00002; ExAC 0.00003.

Submission:

Labcorp Genetics (formerly Invitae), Labcorp
Classification: Uncertain significance for Sulfite oxidase deficiency due to molybdenum cofactor deficiency type A. Last evaluated: 2021-08-26. Review status: criteria provided, single submitter. Criteria: Invitae Variant Classification Sherloc (09022015). Collection method: clinical testing. Allele origin: germline.
Comment: This sequence change replaces isoleucine with methionine at codon 207 of the MOCS1 protein (p.Ile207Met). The isoleucine residue is moderately conserved and there is a small physicochemical difference between isoleucine and methionine. This variant is present in population databases (rs766223142, ExAC 0.006%). This variant has not been reported in the literature in individuals affected with MOCS1-related conditions. Algorithms developed to predict the effect of missense changes on protein structure and function are either unavailable or do not agree on the potential impact of this missense change (SIFT: "Deleterious"; PolyPhen-2: "Possibly Damaging"; Align-GVGD: "Class C0"). In summary, the available evidence is currently insufficient to determine the role of this variant in disease. Therefore, it has been classified as a Variant of Uncertain Significance.

NM_001358530.2(MOCS1):c.621C>G (p.Ile207Met)

Gene: MOCS1 (molybdenum cofactor synthesis 1; minus strand). Cytogenetic location: 6p21.2.
Variant type: single nucleotide variant.
Coding change: c.621C>G on transcript NM_001358530.2 (MANE Select); coding-DNA position 621, C replaced by G.
Protein change: p.Ile207Met; replaces isoleucine 207 with methionine.
Molecular consequence: missense variant. On other transcripts: non-coding transcript variant (1).
Genome position (GRCh38, 1-based): chr6:39,913,798, G>C on the plus strand (C>G on the coding strand, the complement: MOCS1 is on the minus strand). VCF-style: chr6-39913798-G-C. GRCh37 (hg19) VCF-style: chr6-39881542-G-C.
Other names: c.621C>G, p.Ile207Met (NM_001075098.4, NM_001358529.2, NM_005943.6); c.360C>G, p.Ile120Met (NM_001358531.2, NM_001358533.2, NM_001358534.2); short protein forms I120M, I207M.
Identifiers: ClinVar variation 1497161 (VCV001497161.5), dbSNP rs766223142, ClinGen allele CA3796223.